The following is an entry in ClinVar:

NM_001243279.3(ACSF3):c.403G>T (p.Glu135Ter)

Gene: ACSF3 (acyl-CoA synthetase family member 3; plus strand). Cytogenetic location: 16q24.3.
Variant type: single nucleotide variant.
Coding change: c.403G>T on transcript NM_001243279.3 (MANE Select); coding-DNA position 403, G replaced by T.
Protein change: p.Glu135Ter; replaces glutamic acid 135 with a stop codon.
Molecular consequence: nonsense. On other transcripts: non-coding transcript variant (3), intron variant (1).
Genome position (GRCh38, 1-based): chr16:89,101,084, G>T. VCF-style: chr16-89101084-G-T. GRCh37 (hg19) VCF-style: chr16-89167492-G-T.
Other names: c.403G>T, p.Glu135Ter (NM_001127214.4, NM_174917.5); c.-129-1520G>T (NM_001284316.2); short protein forms E135*.
Identifiers: ClinVar variation 1696038 (VCV001696038.1), dbSNP rs752534981, ClinGen allele CA397134254.
Genomic context (GRCh38, chr16:89,101,084, plus strand): 5'-TCATGGATGAGTGGCGGTGTGGCAGTCCCCCTCTACAGGAAGCATCCCGCGGCCCAGCTG[G>T]AGTATGTCATCTGCGACTCCCAGAGCTCTGTGGTCCTTGCCAGCCAGGAGTACCTGGAGC-3'

ClinVar aggregate classification (germline): Likely pathogenic (1 of 4 stars; one submission).

Conditions:
Combined malonic and methylmalonic acidemia. Identifiers: Orphanet 289504, MedGen C3280314, MONDO:0013661, OMIM 614265.

Submission:

Women's Health and Genetics/Laboratory Corporation of America, LabCorp
Classification: Likely pathogenic for Combined malonic and methylmalonic acidemia. Last evaluated: 2022-05-13. Review status: criteria provided, single submitter. Criteria: LabCorp Variant Classification Summary - May 2015. Collection method: clinical testing. Allele origin: germline.
Comment: Variant summary: ACSF3 c.403G>T (p.Glu135X) results in a premature termination codon, predicted to cause a truncation of the encoded protein or absence of the protein due to nonsense mediated decay, which are commonly known mechanisms for disease. Truncations downstream of this position have been classified as pathogenic within ClinVar (e.g. c.408T>A [p.Tyr136Ter]; c.408T>G [p.Tyr136Ter]) . The variant was absent in 251320 control chromosomes (gnomAD). To our knowledge, no occurrence of c.403G>T in individuals affected with Combined Malonic And Methylmalonic Aciduria and no experimental evidence demonstrating its impact on protein function have been reported. No clinical diagnostic laboratories have submitted clinical-significance assessments for this variant to ClinVar after 2014. Based on the evidence outlined above, the variant was classified as likely pathogenic.